The following is an entry in ClinVar:

ClinVar aggregate classification (germline): Uncertain significance. Review status: criteria provided, multiple submitters, no conflicts (2 of 4 stars). 3 submissions from 3 submitters: Uncertain significance (3). Last evaluated 2025-09-18.

Conditions:
Hereditary cancer-predisposing syndrome. Also called: Neoplastic Syndromes, Hereditary; Hereditary Cancer Syndrome; Hereditary neoplastic syndrome; Tumor predisposition. Identifiers: Orphanet 140162, MedGen C0027672, MeSH D009386, MONDO:0015356.
Tuberous sclerosis 2 (TSC2). Identifiers: Orphanet 805, MedGen C1860707, MONDO:0013199, OMIM 613254.
Tuberous sclerosis syndrome (TSC). Also called: Tuberous Sclerosis Complex; Tuberous sclerosis. Identifiers: Orphanet 805, MedGen C0041341, MONDO:0001734.

Submissions (3):

Color Diagnostics, LLC DBA Color Health
Classification: Uncertain significance for Tuberous sclerosis syndrome. Last evaluated: 2025-09-18. Review status: criteria provided, single submitter. Criteria: ACMG Guidelines, 2015. Collection method: clinical testing. Allele origin: germline.
Comment: This missense variant replaces glutamine with leucine at codon 1280 of the TSC2 protein. Computational prediction suggests that this variant may not impact protein structure and function. To our knowledge, functional studies have not been reported for this variant. This variant has not been reported in individuals affected with TSC2-related disorders in the literature. This variant has not been identified in the general population by the Genome Aggregation Database (gnomAD). The available evidence is insufficient to determine the role of this variant in disease conclusively. Therefore, this variant is classified as a Variant of Uncertain Significance.

Ambry Genetics
Classification: Uncertain significance for Hereditary cancer-predisposing syndrome. Last evaluated: 2025-05-27. Review status: criteria provided, single submitter. Criteria: Ambry Variant Classification Scheme 2023. Collection method: clinical testing. Allele origin: germline.
Comment: The p.Q1280L variant (also known as c.3839A>T), located in coding exon 31 of the TSC2 gene, results from an A to T substitution at nucleotide position 3839. The glutamine at codon 1280 is replaced by leucine, an amino acid with dissimilar properties. This amino acid position is not well conserved in available vertebrate species. In addition, the in silico prediction for this alteration is inconclusive. Based on the available evidence, the clinical significance of this variant remains unclear.

Labcorp Genetics (formerly Invitae), Labcorp
Classification: Uncertain significance for Tuberous sclerosis 2. Last evaluated: 2024-08-27. Review status: criteria provided, single submitter. Criteria: Invitae Variant Classification Sherloc (09022015). Collection method: clinical testing. Allele origin: germline.
Comment: This sequence change replaces glutamine, which is neutral and polar, with leucine, which is neutral and non-polar, at codon 1280 of the TSC2 protein (p.Gln1280Leu). This variant is not present in population databases (gnomAD no frequency). This variant has not been reported in the literature in individuals affected with TSC2-related conditions. ClinVar contains an entry for this variant (Variation ID: 824279). Invitae Evidence Modeling of protein sequence and biophysical properties (such as structural, functional, and spatial information, amino acid conservation, physicochemical variation, residue mobility, and thermodynamic stability) indicates that this missense variant is not expected to disrupt TSC2 protein function with a negative predictive value of 95%. In summary, the available evidence is currently insufficient to determine the role of this variant in disease. Therefore, it has been classified as a Variant of Uncertain Significance.

NM_000548.5(TSC2):c.3839A>T (p.Gln1280Leu)

Gene: TSC2 (TSC complex subunit 2; plus strand). Cytogenetic location: 16p13.3.
Variant type: single nucleotide variant.
Coding change: c.3839A>T on transcript NM_000548.5 (MANE Select); coding-DNA position 3839, A replaced by T.
Protein change: p.Gln1280Leu; replaces glutamine 1280 with leucine.
Molecular consequence: missense variant. On other transcripts: intron variant (6).
Genome position (GRCh38, 1-based): chr16:2,082,460, A>T. VCF-style: chr16-2082460-A-T. GRCh37 (hg19) VCF-style: chr16-2132461-A-T.
Other names: c.3107A>T, p.Gln1036Leu (NM_001318831.2); c.3707A>T, p.Gln1236Leu (NM_001370404.1); c.3710A>T, p.Gln1237Leu (NM_001370405.1, NM_021055.3); c.3814+662A>T (NM_001114382.3); c.3685+662A>T (NM_001363528.2); c.3682+662A>T (NM_001077183.3); c.3574+662A>T (NM_001318827.2); c.3538+662A>T (NM_001318829.2); and 1 more; short protein forms Q1236L, Q1280L, Q1036L, Q1237L.
Identifiers: ClinVar variation 824279 (VCV000824279.13), dbSNP rs1596404506, ClinGen allele CA394294916.